The following is an entry in ClinVar:

NM_000320.3(QDPR):c.545C>T (p.Pro182Leu)

Gene: QDPR (quinoid dihydropteridine reductase; minus strand). Cytogenetic location: 4p15.32.
Variant type: single nucleotide variant.
Coding change: c.545C>T on transcript NM_000320.3 (MANE Select); coding-DNA position 545, C replaced by T.
Protein change: p.Pro182Leu; replaces proline 182 with leucine.
Molecular consequence: missense variant.
Genome position (GRCh38, 1-based): chr4:17,492,232, G>A on the plus strand (C>T on the coding strand, the complement: QDPR is on the minus strand). VCF-style: chr4-17492232-G-A. GRCh37 (hg19) VCF-style: chr4-17493855-G-A.
Other names: c.452C>T, p.Pro151Leu (NM_001306140.2); short protein forms P151L, P182L.
Identifiers: ClinVar variation 1483524 (VCV001483524.5), dbSNP rs1364780551, ClinGen allele CA356444677.

ClinVar aggregate classification (germline): Uncertain significance (1 of 4 stars; one submission).

Conditions:
Dihydropteridine reductase deficiency (HPABH4C). Also called: DHPR DEFICIENCY; BH4-Deficient Hyperphenylalaninemia C; Hyperphenylalaninemia due to dihydropteridine reductase deficiency; Hyperphenylalaninemia, BH-4-deficient, C; Phenylketonuria type 2; HYPERPHENYLALANINEMIA, TETRAHYDROBIOPTERIN-DEFICIENT, DUE TO DHPR DEFICIENCY. Identifiers: Orphanet 226, Orphanet 238583, MedGen C0268465, MONDO:0009862, OMIM 261630.

Allele frequency attached by ClinVar (database versions not stated): gnomAD exomes below 0.00001; TOPMed 0.00002; gnomAD 0.00001.
gnomAD v4.1: 16 of 1,613,236 alleles (0.00099%); highest among the groups gnomAD compares: Admixed American, 0.0017%; no homozygotes.

Submission:

Labcorp Genetics (formerly Invitae), Labcorp
Classification: Uncertain significance for Dihydropteridine reductase deficiency. Last evaluated: 2022-03-19. Review status: criteria provided, single submitter. Criteria: Invitae Variant Classification Sherloc (09022015). Collection method: clinical testing. Allele origin: germline.
Comment: This sequence change replaces proline, which is neutral and non-polar, with leucine, which is neutral and non-polar, at codon 182 of the QDPR protein (p.Pro182Leu). This variant is present in population databases (no rsID available, gnomAD 0.003%). This variant has not been reported in the literature in individuals affected with QDPR-related conditions. Algorithms developed to predict the effect of missense changes on protein structure and function (SIFT, PolyPhen-2, Align-GVGD) all suggest that this variant is likely to be disruptive. Algorithms developed to predict the effect of sequence changes on RNA splicing suggest that this variant may disrupt the consensus splice site. In summary, the available evidence is currently insufficient to determine the role of this variant in disease. Therefore, it has been classified as a Variant of Uncertain Significance.